The following is an entry in ClinVar:

NM_182914.3(SYNE2):c.11539G>A (p.Asp3847Asn)

Gene: SYNE2 (spectrin repeat containing nuclear envelope protein 2; plus strand). Cytogenetic location: 14q23.2.
Variant type: single nucleotide variant.
Coding change: c.11539G>A on transcript NM_182914.3 (MANE Select); coding-DNA position 11539, G replaced by A.
Protein change: p.Asp3847Asn; replaces aspartic acid 3847 with asparagine.
Molecular consequence: missense variant.
Genome position (GRCh38, 1-based): chr14:64,087,725, G>A. VCF-style: chr14-64087725-G-A. GRCh37 (hg19) VCF-style: chr14-64554443-G-A.
Other names: c.11539G>A, p.Asp3847Asn (NM_015180.6); short protein forms D3847N.
Identifiers: ClinVar variation 283704 (VCV000283704.15), dbSNP rs376684112, ClinGen allele CA7221845.

ClinVar aggregate classification (germline): Uncertain significance. Review status: criteria provided, multiple submitters, no conflicts (2 of 4 stars). 5 submissions from 5 submitters: Uncertain significance (5). Last evaluated 2025-04-24.

Conditions:
Emery-Dreifuss muscular dystrophy 5, autosomal dominant (EDMD5). Also called: EMERY-DREIFUSS MUSCULAR DYSTROPHY 5. Identifiers: Orphanet 261, MedGen C2751805, MONDO:0013072, OMIM 612999.

Allele frequency attached by ClinVar (database versions not stated): gnomAD 0.00001; TOPMed 0.00001; ExAC 0.00002; ESP Exome Variant Server 0.00008.
gnomAD v4.1: 22 of 1,613,912 alleles (0.0014%); highest among the groups gnomAD compares: Admixed American, 0.0033%; no homozygotes.

Submissions (5):

Ambry Genetics
Classification: Uncertain significance. Last evaluated: 2025-04-24. Review status: criteria provided, single submitter. Criteria: Ambry Variant Classification Scheme 2023. Collection method: clinical testing. Allele origin: germline.

Labcorp Genetics (formerly Invitae), Labcorp
Classification: Uncertain significance for Emery-Dreifuss muscular dystrophy 5, autosomal dominant. Last evaluated: 2024-09-17. Review status: criteria provided, single submitter. Criteria: Invitae Variant Classification Sherloc (09022015). Collection method: clinical testing. Allele origin: germline.
Comment: This sequence change replaces aspartic acid, which is acidic and polar, with asparagine, which is neutral and polar, at codon 3847 of the SYNE2 protein (p.Asp3847Asn). This variant is present in population databases (rs376684112, gnomAD 0.002%). This variant has not been reported in the literature in individuals affected with SYNE2-related conditions. ClinVar contains an entry for this variant (Variation ID: 283704). An algorithm developed to predict the effect of missense changes on protein structure and function (PolyPhen-2) suggests that this variant is likely to be disruptive. In summary, the available evidence is currently insufficient to determine the role of this variant in disease. Therefore, it has been classified as a Variant of Uncertain Significance.

Athena Diagnostics
Classification: Uncertain significance. Last evaluated: 2021-09-13. Review status: criteria provided, single submitter. Criteria: Athena Diagnostics Criteria. Collection method: clinical testing. Allele origin: unknown.

Revvity Omics, Revvity
Classification: Uncertain significance for Emery-Dreifuss muscular dystrophy 5, autosomal dominant. Last evaluated: 2019-04-11. Review status: criteria provided, single submitter. Criteria: ACMG Guidelines, 2015. Collection method: clinical testing. Allele origin: germline.

Eurofins Ntd Llc (ga)
Classification: Uncertain significance. Last evaluated: 2015-10-05. Review status: criteria provided, single submitter. Criteria: EGL Classification Definitions 2015. Collection method: clinical testing. Allele origin: germline. Observed: 1 variant allele, 1 heterozygote.